The following is an entry in ClinVar:

NM_017763.6(RNF43):c.858G>C (p.Arg286=)

Gene: RNF43 (ring finger protein 43; minus strand). Cytogenetic location: 17q22.
Variant type: single nucleotide variant.
Coding change: c.858G>C on transcript NM_017763.6 (MANE Select); coding-DNA position 858, G replaced by C.
Protein change: p.Arg286=; no amino-acid change (arginine 286 retained).
Molecular consequence: synonymous variant.
Genome position (GRCh38, 1-based): chr17:58,360,243, C>G on the plus strand (G>C on the coding strand, the complement: RNF43 is on the minus strand). VCF-style: chr17-58360243-C-G. GRCh37 (hg19) VCF-style: chr17-56437604-C-G.
Other names: c.858G>C, p.Arg286= (NM_001305544.3); c.477G>C, p.Arg159= (NM_001305545.2).
Identifiers: ClinVar variation 1141390 (VCV001141390.11), dbSNP rs773126354, ClinGen allele CA8673274.

ClinVar aggregate classification (germline): Benign/Likely benign. Review status: criteria provided, multiple submitters, no conflicts (2 of 4 stars). 3 submissions from 3 submitters: Benign (1); Likely benign (2). Last evaluated 2026-07-01.

Conditions:
Sessile serrated polyposis cancer syndrome (SSPCS). Identifiers: Orphanet 157798, MedGen C4310714, MONDO:0014919, OMIM 617108.

Allele frequency attached by ClinVar (database versions not stated): gnomAD exomes below 0.00001 and 0.00004; gnomAD 0.00001; TOPMed below 0.00001; ExAC 0.00001.
gnomAD v4.1: 56 of 1,613,698 alleles (0.0035%); highest among the groups gnomAD compares: Non-Finnish European, 0.0047%; no homozygotes.

Submissions (3):

Myriad Genetics, Inc.
Classification: Benign for Sessile serrated polyposis cancer syndrome. Last evaluated: 2026-07-01. Review status: criteria provided, single submitter. Criteria: Myriad Autosomal Dominant, Autosomal Recessive and X-Linked Classification Criteria (2023). Collection method: clinical testing. Allele origin: unknown.
Comment: This variant is considered benign. This variant is a silent/synonymous amino acid change and it is not expected to impact splicing.

Labcorp Genetics (formerly Invitae), Labcorp
Classification: Likely benign. Last evaluated: 2024-12-30. Review status: criteria provided, single submitter. Criteria: Invitae Variant Classification Sherloc (09022015). Collection method: clinical testing. Allele origin: germline.

Ambry Genetics
Classification: Likely benign. Last evaluated: 2024-12-22. Review status: criteria provided, single submitter. Criteria: Ambry Variant Classification Scheme 2023. Collection method: clinical testing. Allele origin: germline.